The following is an entry in ClinVar:

ClinVar aggregate classification (germline): Uncertain significance. Review status: criteria provided, multiple submitters, no conflicts (2 of 4 stars). 2 submissions from 2 submitters: Uncertain significance (2). Last evaluated 2025-10-24.

Conditions:
Joubert syndrome 25 (JBTS25). Identifiers: Orphanet 475, MedGen C4084842, MONDO:0014770, OMIM 616781.
Inborn genetic diseases. Identifiers: MedGen C0950123, MeSH D030342.

Allele frequency attached by ClinVar (database versions not stated): gnomAD exomes 0.00003 and 0.00001; ESP Exome Variant Server 0.00015; ExAC 0.00003; TOPMed 0.00015; gnomAD 0.00019 and 0.00022.
gnomAD v4.1: 39 of 1,613,500 alleles (0.0024%); highest among the groups gnomAD compares: African/African-American, 0.051%; no homozygotes.

Submissions (2):

Ambry Genetics
Classification: Uncertain significance for Inborn genetic diseases. Last evaluated: 2025-10-24. Review status: criteria provided, single submitter. Criteria: Ambry Variant Classification Scheme 2023. Collection method: clinical testing. Allele origin: germline.

Labcorp Genetics (formerly Invitae), Labcorp
Classification: Uncertain significance for Joubert syndrome 25. Last evaluated: 2024-06-03. Review status: criteria provided, single submitter. Criteria: Invitae Variant Classification Sherloc (09022015). Collection method: clinical testing. Allele origin: germline.
Comment: This sequence change replaces methionine, which is neutral and non-polar, with isoleucine, which is neutral and non-polar, at codon 204 of the CEP104 protein (p.Met204Ile). This variant is present in population databases (rs141906706, gnomAD 0.05%). This variant has not been reported in the literature in individuals affected with CEP104-related conditions. ClinVar contains an entry for this variant (Variation ID: 1418271). An algorithm developed to predict the effect of missense changes on protein structure and function (PolyPhen-2) suggests that this variant is likely to be disruptive. In summary, the available evidence is currently insufficient to determine the role of this variant in disease. Therefore, it has been classified as a Variant of Uncertain Significance.

NM_014704.4(CEP104):c.612G>A (p.Met204Ile)

Gene: CEP104 (centrosomal protein 104; minus strand). Cytogenetic location: 1p36.32.
Variant type: single nucleotide variant.
Coding change: c.612G>A on transcript NM_014704.4 (MANE Select); coding-DNA position 612, G replaced by A.
Protein change: p.Met204Ile; replaces methionine 204 with isoleucine.
Molecular consequence: missense variant.
Genome position (GRCh38, 1-based): chr1:3,839,731, C>T on the plus strand (G>A on the coding strand, the complement: CEP104 is on the minus strand). VCF-style: chr1-3839731-C-T. GRCh37 (hg19) VCF-style: chr1-3756295-C-T.
Other names: c.612G>A (NM_014704.3); short protein forms M204I.
Identifiers: ClinVar variation 1418271 (VCV001418271.8), dbSNP rs141906706, ClinGen allele CA551866.
Genomic context (GRCh38, chr1:3,839,731, plus strand): 5'-AGCTTCCCGTTTTCTTTCATCTAATTTTCGTATGATCTGTGCAACTTCTGGATCTTGGTA[C>T]ATATCAAAAGCTAAGTCATCTAGCGGAGAGATATAGTCAGATTTCCTAAAGGGAAGAAAT-3'
Protein context (NP_055519.1, residues 194-214): ISPLDDLAFD[Met204Ile]YQDPEVAQII